The following is an entry in ClinVar:

NM_000548.5(TSC2):c.600-145C>T

Gene: TSC2 (TSC complex subunit 2; plus strand). Cytogenetic location: 16p13.3.
Variant type: single nucleotide variant.
Coding change: c.600-145C>T on transcript NM_000548.5 (MANE Select); 145 bases into the intron before coding-DNA position 600, C replaced by T.
Molecular consequence: intron variant. On other transcripts: 5 prime UTR variant (4).
Genome position (GRCh38, 1-based): chr16:2,056,051, C>T. VCF-style: chr16-2056051-C-T. GRCh37 (hg19) VCF-style: chr16-2106052-C-T.
Other names: c.-146C>T (NM_001406680.1, NM_001406683.1, NM_001406687.1); c.-977C>T (NM_001406693.1); c.690-145C>T (NM_001406667.1, NM_001406668.1); c.-832-145C>T (NM_001406689.1, NM_001406690.1, NM_001406692.1 and 2 more transcripts); c.-1008-145C>T (NM_001406698.1); c.600-145C>T (NM_001114382.3, NM_001406663.1, NM_001406664.1 and 8 more transcripts); c.-713-145C>T (NM_001406694.1, NM_001406695.1); c.-820-145C>T (NM_001406696.1); and 6 more.
Identifiers: ClinVar variation 3602200 (VCV003602200.4).

ClinVar aggregate classification (germline): Conflicting classifications of pathogenicity. Review status: criteria provided, conflicting classifications (1 of 4 stars). 3 submissions from 3 submitters: Likely pathogenic (2); Uncertain significance (1). Last evaluated 2024-10-03.

Conditions:
Tuberous sclerosis syndrome (TSC). Also called: Tuberous Sclerosis Complex; Tuberous sclerosis. Identifiers: Orphanet 805, MedGen C0041341, MONDO:0001734.
Tuberous sclerosis 2 (TSC2). Identifiers: Orphanet 805, MedGen C1860707, MONDO:0013199, OMIM 613254.

Submissions (3):

Labcorp Genetics (formerly Invitae), Labcorp
Classification: Uncertain significance for Tuberous sclerosis 2. Last evaluated: 2024-10-03. Review status: criteria provided, single submitter. Criteria: Invitae Variant Classification Sherloc (09022015). Collection method: clinical testing. Allele origin: germline.
Comment: This sequence change falls in intron 6 of the TSC2 gene. It does not directly change the encoded amino acid sequence of the TSC2 protein. This variant is not present in population databases (gnomAD no frequency). This variant has been observed in individual(s) with tuberous sclerosis complex (PMID: 30872599). Algorithms developed to predict the effect of sequence changes on RNA splicing suggest that this variant may create or strengthen a splice site. In summary, the available evidence is currently insufficient to determine the role of this variant in disease. Therefore, it has been classified as a Variant of Uncertain Significance.

GeneDx
Classification: Likely pathogenic. Last evaluated: 2024-08-02. Review status: criteria provided, single submitter. Criteria: GeneDx Variant Classification Process June 2021. Collection method: clinical testing. Allele origin: germline. Affected: yes.
Comment: In silico analysis suggests this variant may impact gene splicing. In the absence of RNA/functional studies, the actual effect of this sequence change is unknown.; No data available from control populations to assess the frequency of this variant; This variant is associated with the following publications: (PMID: 30872599)

Department of Pathology and Laboratory Medicine, Sinai Health System
Classification: Likely pathogenic for tuberous sclerosis. Review status: criteria provided, single submitter. Criteria: ACMG Guidelines, 2015. Collection method: clinical testing. Allele origin: germline.

Literature cited by the submitters: PubMed 30872599 (cited by Labcorp Genetics (formerly Invitae), Labcorp).